The following is an entry in ClinVar:

ClinVar aggregate classification (germline): Uncertain significance. Review status: criteria provided, multiple submitters, no conflicts (2 of 4 stars). 2 submissions from 2 submitters: Uncertain significance (2). Last evaluated 2021-10-15.

Conditions:
Danon disease. Also called: PSEUDOGLYCOGENOSIS II; GSD IIb; LYSOSOMAL GLYCOGEN STORAGE DISEASE WITHOUT ACID MALTASE DEFICIENCY; Glycogen Storage Disease Type IIb; ANTOPOL DISEASE. Identifiers: Orphanet 34587, MedGen C0878677, MONDO:0010281, OMIM 300257.

Allele frequency attached by ClinVar (database versions not stated): gnomAD exomes below 0.00001.
gnomAD v4.1: 5 of 1,210,727 alleles (0.00041%); highest among the groups gnomAD compares: Non-Finnish European, 0.00056%; no homozygotes.

Submissions (2):

Labcorp Genetics (formerly Invitae), Labcorp
Classification: Uncertain significance for Danon disease. Last evaluated: 2021-10-15. Review status: criteria provided, single submitter. Criteria: Invitae Variant Classification Sherloc (09022015). Collection method: clinical testing. Allele origin: germline.
Comment: This variant has not been reported in the literature in individuals affected with LAMP2-related conditions. In summary, the available evidence is currently insufficient to determine the role of this variant in disease. Therefore, it has been classified as a Variant of Uncertain Significance. Algorithms developed to predict the effect of missense changes on protein structure and function are either unavailable or do not agree on the potential impact of this missense change (SIFT: "Tolerated"; PolyPhen-2: "Probably Damaging"; Align-GVGD: "Class C0"). ClinVar contains an entry for this variant (Variation ID: 180872). This variant is not present in population databases (ExAC no frequency). This sequence change replaces leucine with valine at codon 239 of the LAMP2 protein (p.Leu239Val). The leucine residue is highly conserved and there is a small physicochemical difference between leucine and valine.

GeneDx
Classification: Uncertain significance. Last evaluated: 2016-06-30. Review status: criteria provided, single submitter. Criteria: GeneDx Variant Classification (06012015). Collection method: clinical testing. Allele origin: germline. Affected: yes.
Comment: p.Leu239Val (CTG>GTG): c.715 C>G in exon 5 of the LAMP2 gene (NM_002294.2). A variant of unknown significance has been identified in the LAMP2 gene. The L239V variant has not been published as a mutation, nor has it been reported as a benign polymorphism to our knowledge. The L239V variant was not observed in approximately 6,500 individuals of European and African American ancestry in the NHLBI Exome Sequencing Project, indicating it is not a common benign variant in these populations. In silico analysis predicts this variant is probably damaging to protein structure/function. However, the L239V variant is a conservative amino acid substitution, which is not likely to impact secondary protein structure as these residues share similar properties. This variant occurs at a position that is conserved across species. Furthermore, no missense mutations in nearby residues have been reported in association with familial cardiomyopathy, indicating that this region of the protein may be tolerant of change. Therefore, based on the currently available information, it is unclear whether this variant is a pathogenic mutation or a rare benign variant. This result cannot be interpreted for diagnosis or used for family member screening at this time. The variant is found in HCM panel(s).

NM_002294.3(LAMP2):c.715C>G (p.Leu239Val)

Gene: LAMP2 (lysosome associated membrane protein 2; minus strand). Cytogenetic location: Xq24.
Variant type: single nucleotide variant.
Coding change: c.715C>G on transcript NM_002294.3 (MANE Select); coding-DNA position 715, C replaced by G.
Protein change: p.Leu239Val; replaces leucine 239 with valine.
Molecular consequence: missense variant.
Genome position (GRCh38, 1-based): chrX:120,447,867, G>C on the plus strand (C>G on the coding strand, the complement: LAMP2 is on the minus strand). VCF-style: chrX-120447867-G-C. GRCh37 (hg19) VCF-style: chrX-119581722-G-C.
Other names: p.L239V:CTG>GTG; c.715C>G, p.Leu239Val (NM_001122606.1, NM_013995.2); short protein forms L239V.
Identifiers: ClinVar variation 180872 (VCV000180872.7), dbSNP rs730880481, ClinGen allele CA333647.
Genomic context (GRCh38, chrX:120,447,867, plus strand): 5'-AAAAGGATGTATTGATAAAGATAGACACCTATACCTTATCCTGAGTGATGTTCAGCTGCA[G>C]CCCCATGGTAGCCAGCAGACAAGTATCATTGCCATTATTAACTGAATAGGTTCCAGCTTC-3'
Protein context (NP_002285.1, residues 229-249): NDTCLLATMG[Leu239Val]QLNITQDKVA